The following is an entry in ClinVar:

NM_016122.3(CEP83):c.241C>T (p.Gln81Ter)

Gene: CEP83 (centrosomal protein 83; minus strand). Cytogenetic location: 12q22.
Variant type: single nucleotide variant.
Coding change: c.241C>T on transcript NM_016122.3 (MANE Select); coding-DNA position 241, C replaced by T.
Protein change: p.Gln81Ter; replaces glutamine 81 with a stop codon.
Molecular consequence: nonsense. On other transcripts: 5 prime UTR variant (6), non-coding transcript variant (3).
Genome position (GRCh38, 1-based): chr12:94,411,780, G>A on the plus strand (C>T on the coding strand, the complement: CEP83 is on the minus strand). VCF-style: chr12-94411780-G-A. GRCh37 (hg19) VCF-style: chr12-94805556-G-A.
Other names: c.241C>T, p.Gln81Ter (NM_001042399.2, NM_001346457.2, NM_001346460.2 and 4 more transcripts); c.-72C>T (NM_001346458.2, NM_001346459.2, NM_001346462.2 and 3 more transcripts); short protein forms Q81*.
Identifiers: ClinVar variation 139542 (VCV000139542.10), dbSNP rs368619022, ClinGen allele CA163250.

ClinVar aggregate classification (germline): Pathogenic/Likely pathogenic. Review status: criteria provided, multiple submitters, no conflicts (2 of 4 stars). 3 submissions from 3 submitters: Pathogenic (1); Likely pathogenic (1). 1 of the submissions does not count toward it. Last evaluated 2025-03-18.

Conditions:
CEP83-related disorder. Also called: CEP83-related condition.
Nephronophthisis 18 (NPHP18). Identifiers: Orphanet 655, MedGen C3890591, MONDO:0014374, OMIM 615862.

Allele frequency attached by ClinVar (database versions not stated): TOPMed below 0.00001; ExAC 0.00001; gnomAD 0.00001; gnomAD exomes 0.00001 and 0.00004; ESP Exome Variant Server 0.00009.
gnomAD v4.1: 57 of 1,611,974 alleles (0.0035%); highest among the groups gnomAD compares: Non-Finnish European, 0.0046%; no homozygotes.

Submissions (3):

Labcorp Genetics (formerly Invitae), Labcorp
Classification: Pathogenic for Nephronophthisis 18. Last evaluated: 2025-03-18. Review status: criteria provided, single submitter. Criteria: Invitae Variant Classification Sherloc (09022015). Collection method: clinical testing. Allele origin: germline.
Comment: This sequence change creates a premature translational stop signal (p.Gln81*) in the CEP83 gene. It is expected to result in an absent or disrupted protein product. Loss-of-function variants in CEP83 are known to be pathogenic (PMID: 23530209, 24882706). This variant is present in population databases (rs368619022, gnomAD 0.003%). This premature translational stop signal has been observed in individual(s) with nephronophthisis (PMID: 24882706). ClinVar contains an entry for this variant (Variation ID: 139542). For these reasons, this variant has been classified as Pathogenic.

Blueprint Genetics
Classification: Likely pathogenic for CEP83-related disorders. Last evaluated: 2022-09-29. Review status: criteria provided, single submitter. Criteria: ACMG Guidelines, 2015. Collection method: clinical testing. Allele origin: germline. Affected: yes. Observed: 2 variant alleles.

OMIM
Classification: Pathogenic for NEPHRONOPHTHISIS 18. Last evaluated: 2014-06-05. Review status: no assertion criteria provided. Collection method: literature only. Allele origin: germline. Not counted in ClinVar's aggregate classification.

Literature cited by the submitters: PubMed 23530209 (cited by Labcorp Genetics (formerly Invitae), Labcorp); PubMed 24882706 (cited by Labcorp Genetics (formerly Invitae), Labcorp and OMIM).